The following is an entry in ClinVar:

ClinVar aggregate classification (germline): Uncertain significance (1 of 4 stars; one submission).

Conditions:
Rhabdoid tumor predisposition syndrome 2 (RTPS2). Identifiers: Orphanet 231108, Orphanet 69077, MedGen C2750074, MONDO:0013224, OMIM 613325.

Submission:

Labcorp Genetics (formerly Invitae), Labcorp
Classification: Uncertain significance for Rhabdoid tumor predisposition syndrome 2. Last evaluated: 2024-04-07. Review status: criteria provided, single submitter. Criteria: Invitae Variant Classification Sherloc (09022015). Collection method: clinical testing. Allele origin: germline.
Comment: This sequence change replaces threonine, which is neutral and polar, with proline, which is neutral and non-polar, at codon 58 of the SMARCA4 protein (p.Thr58Pro). This variant is not present in population databases (gnomAD no frequency). This variant has not been reported in the literature in individuals affected with SMARCA4-related conditions. Advanced modeling of protein sequence and biophysical properties (such as structural, functional, and spatial information, amino acid conservation, physicochemical variation, residue mobility, and thermodynamic stability) performed at Invitae indicates that this missense variant is not expected to disrupt SMARCA4 protein function with a negative predictive value of 95%. In summary, the available evidence is currently insufficient to determine the role of this variant in disease. Therefore, it has been classified as a Variant of Uncertain Significance.

NM_003072.5(SMARCA4):c.172A>C (p.Thr58Pro)

Gene: SMARCA4 (SWI/SNF related BAF chromatin remodeling complex subunit ATPase 4; plus strand). Cytogenetic location: 19p13.2.
Variant type: single nucleotide variant.
Coding change: c.172A>C on transcript NM_003072.5 (MANE Select); coding-DNA position 172, A replaced by C.
Protein change: p.Thr58Pro; replaces threonine 58 with proline.
Molecular consequence: missense variant. On other transcripts: non-coding transcript variant (1).
Genome position (GRCh38, 1-based): chr19:10,984,323, A>C. VCF-style: chr19-10984323-A-C. GRCh37 (hg19) VCF-style: chr19-11094999-A-C.
Other names: c.172A>C, p.Thr58Pro (NM_001128844.3, NM_001128845.2, NM_001128846.2 and 6 more transcripts); short protein forms T58P.
Identifiers: ClinVar variation 3636822 (VCV003636822.2).